The following is an entry in ClinVar:

ClinVar aggregate classification (germline): Uncertain significance (0 of 4 stars; one submission).

Conditions:
MED12-Related Disorders. Also called: MED12-related condition; MED12-related disorder. Identifiers: MedGen CN381102.

Submission:

PreventionGenetics, part of Exact Sciences
Classification: Uncertain significance for MED12-related condition. Last evaluated: 2024-06-20. Review status: no assertion criteria provided. Collection method: clinical testing. Allele origin: germline.
Comment: The MED12 c.1978C>G variant is predicted to result in the amino acid substitution p.Pro660Ala. To our knowledge, this variant has not been reported in the literature or in a large population database, indicating this variant is rare. At this time, the clinical significance of this variant is uncertain due to the absence of conclusive functional and genetic evidence.

NM_005120.3(MED12):c.1978C>G (p.Pro660Ala)

Gene: MED12 (mediator complex subunit 12; plus strand). Cytogenetic location: Xq13.1.
Variant type: single nucleotide variant.
Coding change: c.1978C>G on transcript NM_005120.3 (MANE Select); coding-DNA position 1978, C replaced by G.
Protein change: p.Pro660Ala; replaces proline 660 with alanine.
Molecular consequence: missense variant.
Genome position (GRCh38, 1-based): chrX:71,124,767, C>G. VCF-style: chrX-71124767-C-G. GRCh37 (hg19) VCF-style: chrX-70344617-C-G.
Other names: short protein forms P660A.
Identifiers: ClinVar variation 3346714 (VCV003346714.1).